The following is an entry in ClinVar:

ClinVar aggregate classification (germline): Likely pathogenic (1 of 4 stars; one submission).

Conditions:
Perlman syndrome (PRLMNS). Identifiers: Orphanet 2849, MedGen C0796113, MONDO:0009965, OMIM 267000.

Allele frequency attached by ClinVar (database versions not stated): gnomAD exomes below 0.00001.
gnomAD v4.1: 1 of 1,614,032 alleles (0.000062%); highest among the groups gnomAD compares: East Asian, 0.0022%; no homozygotes.

Submission:

Labcorp Genetics (formerly Invitae), Labcorp
Classification: Likely pathogenic for Perlman syndrome. Last evaluated: 2021-06-09. Review status: criteria provided, single submitter. Criteria: Invitae Variant Classification Sherloc (09022015). Collection method: clinical testing. Allele origin: germline.
Comment: Algorithms developed to predict the effect of sequence changes on RNA splicing suggest that this variant may disrupt the consensus splice site, but this prediction has not been confirmed by published transcriptional studies. In summary, the currently available evidence indicates that the variant is pathogenic, but additional data are needed to prove that conclusively. Therefore, this variant has been classified as Likely Pathogenic. This variant has not been reported in the literature in individuals with DIS3L2-related conditions. This variant is not present in population databases (ExAC no frequency). This sequence change affects an acceptor splice site in intron 15 of the DIS3L2 gene. It is expected to disrupt RNA splicing. Variants that disrupt the donor or acceptor splice site typically lead to a loss of protein function (PMID: 16199547), and loss-of-function variants in DIS3L2 are known to be pathogenic (PMID: 22306653, 28328139).

Literature cited by the submitters: PubMed 16199547; PubMed 22306653; PubMed 28328139.

NM_152383.5(DIS3L2):c.1924-1G>C

Gene: DIS3L2 (DIS3 like 3'-5' exoribonuclease 2; plus strand). Cytogenetic location: 2q37.1.
Variant type: single nucleotide variant.
Coding change: c.1924-1G>C on transcript NM_152383.5 (MANE Select); the canonical splice acceptor site of the intron before coding-DNA position 1924, G replaced by C.
Molecular consequence: splice acceptor variant. On other transcripts: intron variant (1).
Genome position (GRCh38, 1-based): chr2:232,330,689, G>C. VCF-style: chr2-232330689-G-C. GRCh37 (hg19) VCF-style: chr2-233195399-G-C.
Other names: c.1582-12656G>C (NM_001257281.2).
Identifiers: ClinVar variation 1508331 (VCV001508331.8), dbSNP rs1201265438, ClinGen allele CA350976447.